The following is an entry in ClinVar:

ClinVar aggregate classification (germline): Uncertain significance (1 of 4 stars; one submission).

Submission:

GeneDx
Classification: Uncertain significance. Last evaluated: 2025-03-03. Review status: criteria provided, single submitter. Criteria: GeneDx Variant Classification Process June 2021. Collection method: clinical testing. Allele origin: germline. Affected: yes.
Comment: Frameshift variant predicted to result in protein truncation or nonsense mediated decay in a gene or region of a gene for which loss of function is not a well-established mechanism of disease; Not observed at significant frequency in large population cohorts (gnomAD); Has not been previously published as pathogenic or benign to our knowledge

NM_001385079.1(PDE10A):c.860del (p.Ser287fs)

Gene: PDE10A (phosphodiesterase 10A; minus strand). Cytogenetic location: 6q27.
Variant type: Deletion.
Coding change: c.860del on transcript NM_001385079.1 (MANE Select); coding-DNA position 860, one base deleted (G; older notation c.860delG).
Protein change: p.Ser287fs; shifts the reading frame from serine 287.
Molecular consequence: frameshift variant. On other transcripts: 5 prime UTR variant (1).
Genome position (GRCh38, 1-based): chr6:165,661,952, C deleted on the plus strand (G on the coding strand, the reverse complement: PDE10A is on the minus strand). VCF-style (leftmost placement, unchanged base first): chr6-165661951-GC-G. GRCh37 (hg19) VCF-style: chr6-166075439-GC-G.
Other names: c.62del, p.Ser21fs (NM_001130690.3); c.-97del (NM_006661.4); short protein forms S21fs, S287fs.
Identifiers: ClinVar variation 4082631 (VCV004082631.1).